The following is an entry in ClinVar:

ClinVar aggregate classification (germline): Uncertain significance (1 of 4 stars; one submission).

Conditions:
SIM1-related disorder. Also called: SIM1-related disorders; SIM1-related condition.

Submission:

PreventionGenetics, part of Exact Sciences
Classification: Uncertain significance for SIM1-related condition. Last evaluated: 2025-08-01. Review status: criteria provided, single submitter. Criteria: ACMG Guidelines, 2015. Collection method: clinical testing. Allele origin: germline.
Comment: The SIM1 c.194G>T variant is predicted to result in the amino acid substitution p.Gly65Val. To our knowledge, this variant has not been reported in the literature or in a large population database (gnomAD), indicating this variant is rare. At this time, the clinical significance of this variant is uncertain due to the absence of conclusive functional and genetic evidence.

NM_005068.3(SIM1):c.194G>T (p.Gly65Val)

Gene: SIM1 (SIM bHLH transcription factor 1; minus strand). Cytogenetic location: 6q16.3.
Variant type: single nucleotide variant.
Coding change: c.194G>T on transcript NM_005068.3 (MANE Select); coding-DNA position 194, G replaced by T.
Protein change: p.Gly65Val; replaces glycine 65 with valine.
Molecular consequence: missense variant.
Genome position (GRCh38, 1-based): chr6:100,453,826, C>A on the plus strand (G>T on the coding strand, the complement: SIM1 is on the minus strand). VCF-style: chr6-100453826-C-A. GRCh37 (hg19) VCF-style: chr6-100901702-C-A.
Other names: c.194G>T, p.Gly65Val (NM_001374769.1); short protein forms G65V.
Identifiers: ClinVar variation 5001394 (VCV005001394.1).